The following is an entry in ClinVar:

NM_001009994.3(RIPPLY2):c.77_78delinsAT (p.Arg26His)

Genes: RIPPLY2 (ripply transcriptional repressor 2; plus strand), RIPPLY2-CYB5R4 (RIPPLY2-CYB5R4 readthrough; plus strand). Cytogenetic location: 6q14.2.
Variant type: Indel.
Coding change: c.77_78delinsAT on transcript NM_001009994.3 (MANE Select); coding-DNA positions 77 to 78, GC replaced by AT.
Protein change: p.Arg26His; replaces arginine 26 with histidine.
Molecular consequence: missense variant. On other transcripts: non-coding transcript variant (1).
Genome position (GRCh38, 1-based): chr6:83,853,493-83,853,494, GC replaced by AT. VCF-style: chr6-83853493-GC-AT. GRCh37 (hg19) VCF-style: chr6-84563212-GC-AT.
Other names: c.77_78delinsAT, p.Arg26His (NM_001400900.1); short protein forms R26H.
Identifiers: ClinVar variation 3661682 (VCV003661682.2).
Genomic context (GRCh38, chr6:83,853,493, plus strand): 5'-GCGCAGAGGGTACAGAGAGTGGAGCTGCGGCGTGCGCGGCCACCGACGGCCCTACGCGGC[GC>AT]GCGGGCGCGGACTCCGGGTAGGCTTCCCCGCGCTGCTCTGCGCCTCCCAGCTTCCCCCGT-3'
Protein context (NP_001009994.1, residues 16-36): ACAATDGPTR[Arg26His]AGADSGYAGF

ClinVar aggregate classification (germline): Uncertain significance (1 of 4 stars; one submission).

Submission:

Labcorp Genetics (formerly Invitae), Labcorp
Classification: Uncertain significance. Last evaluated: 2024-08-07. Review status: criteria provided, single submitter. Criteria: Invitae Variant Classification Sherloc (09022015). Collection method: clinical testing. Allele origin: germline.
Comment: This sequence change replaces arginine, which is basic and polar, with histidine, which is basic and polar, at codon 26 of the RIPPLY2 protein (p.Arg26His). Information on the frequency of this variant in the gnomAD database is not available, as this variant may be reported differently in the database. This variant has not been reported in the literature in individuals affected with RIPPLY2-related conditions. An algorithm developed to predict the effect of missense changes on protein structure and function (PolyPhen-2) suggests that this variant is likely to be disruptive. In summary, the available evidence is currently insufficient to determine the role of this variant in disease. Therefore, it has been classified as a Variant of Uncertain Significance.